The following is an entry in ClinVar:

NM_015450.3(POT1):c.326C>T (p.Thr109Ile)

Gene: POT1 (protection of telomeres 1; minus strand). Cytogenetic location: 7q31.33.
Variant type: single nucleotide variant.
Coding change: c.326C>T on transcript NM_015450.3 (MANE Select); coding-DNA position 326, C replaced by T.
Protein change: p.Thr109Ile; replaces threonine 109 with isoleucine.
Molecular consequence: missense variant. On other transcripts: 5 prime UTR variant (1), non-coding transcript variant (3).
Genome position (GRCh38, 1-based): chr7:124,863,570, G>A on the plus strand (C>T on the coding strand, the complement: POT1 is on the minus strand). VCF-style: chr7-124863570-G-A. GRCh37 (hg19) VCF-style: chr7-124503624-G-A.
Other names: c.-68C>T (NM_001042594.2); short protein forms T109I.
Identifiers: ClinVar variation 3423155 (VCV003423155.1).

ClinVar aggregate classification (germline): Uncertain significance (1 of 4 stars; one submission).

Conditions:
Hereditary cancer-predisposing syndrome. Also called: Neoplastic Syndromes, Hereditary; Tumor predisposition; Hereditary Cancer Syndrome; Hereditary neoplastic syndrome. Identifiers: Orphanet 140162, MedGen C0027672, MeSH D009386, MONDO:0015356.

Submission:

Ambry Genetics
Classification: Uncertain significance for Hereditary cancer-predisposing syndrome. Last evaluated: 2024-12-02. Review status: criteria provided, single submitter. Criteria: Ambry Variant Classification Scheme 2023. Collection method: clinical testing. Allele origin: germline.
Comment: The p.T109I variant (also known as c.326C>T), located in coding exon 4 of the POT1 gene, results from a C to T substitution at nucleotide position 326. The threonine at codon 109 is replaced by isoleucine, an amino acid with similar properties. This amino acid position is conserved. In addition, this alteration is predicted to be tolerated by in silico analysis. Based on the available evidence, the clinical significance of this variant remains unclear.